The following is an entry in ClinVar:

ClinVar aggregate classification (germline): Conflicting classifications of pathogenicity. Review status: criteria provided, conflicting classifications (1 of 4 stars). 4 submissions from 4 submitters: Uncertain significance (3); Likely benign (1). Last evaluated 2024-06-26.

Conditions:
Hereditary cancer-predisposing syndrome. Also called: Hereditary Cancer Syndrome; Hereditary neoplastic syndrome; Neoplastic Syndromes, Hereditary; Tumor predisposition. Identifiers: Orphanet 140162, MedGen C0027672, MeSH D009386, MONDO:0015356.
Familial cancer of breast. Also called: hereditary breast carcinoma; BREAST CANCER, FAMILIAL; Hereditary breast cancer. Identifiers: Orphanet 227535, MedGen C0346153, MONDO:0016419, OMIM 114480. Disease mechanism: loss of function.
Fanconi anemia complementation group J. Also called: BRIP1-Related Fanconi Anemia. Identifiers: Orphanet 84, MedGen C1836860, MONDO:0012187, OMIM 609054.

Submissions (4):

Ambry Genetics
Classification: Likely benign for Hereditary cancer-predisposing syndrome. Last evaluated: 2024-06-26. Review status: criteria provided, single submitter. Criteria: Ambry Variant Classification Scheme 2023. Collection method: clinical testing. Allele origin: germline.

Sema4
Classification: Uncertain significance for Hereditary cancer-predisposing syndrome. Last evaluated: 2022-01-25. Review status: criteria provided, single submitter. Criteria: Sema4 Curation Guidelines. Collection method: curation. Allele origin: germline.
Comment: The BRIP1 c.3196T>A (p.S1066T) variant has not been reported in the literature to our knowledge. It has been reported in a large case-control study of breast cancer in 0/60466 cases and 1/53461 controls (PMID: 33471991). This variant was not observed in the large and broad cohorts of the Genome Aggregation Database (PMID: 32461654). This variant has been reported in ClinVar (Variation ID: 925380). In silico tools suggest the impact of the variant on protein function is benign, though these predictions have not been confirmed by functional studies. The evidence is insufficient to meet ACMG/AMP criteria for classifying the variant as benign or pathogenic. Thus, the clinical significance of this variant is currently uncertain.

Color Diagnostics, LLC DBA Color Health
Classification: Uncertain significance for Hereditary cancer-predisposing syndrome. Last evaluated: 2021-10-25. Review status: criteria provided, single submitter. Criteria: ACMG Guidelines, 2015. Collection method: clinical testing. Allele origin: germline.
Comment: This missense variant replaces serine with threonine at codon 1066 of the BRIP1 protein. Computational prediction suggests that this variant may not impact protein structure and function (internally defined REVEL score threshold <= 0.5, PMID: 27666373). To our knowledge, functional studies have not been reported for this variant. This variant has not been reported in individuals affected with hereditary cancer in the literature. This variant has not been identified in the general population by the Genome Aggregation Database (gnomAD). The available evidence is insufficient to determine the role of this variant in disease conclusively. Therefore, this variant is classified as a Variant of Uncertain Significance.

Labcorp Genetics (formerly Invitae), Labcorp
Classification: Uncertain significance for Familial cancer of breast; Fanconi anemia complementation group J. Last evaluated: 2019-04-14. Review status: criteria provided, single submitter. Criteria: Invitae Variant Classification Sherloc (09022015). Collection method: clinical testing. Allele origin: germline.
Comment: This variant has not been reported in the literature in individuals with BRIP1-related conditions. Algorithms developed to predict the effect of missense changes on protein structure and function (SIFT, PolyPhen-2, Align-GVGD) all suggest that this variant is likely to be tolerated, but these predictions have not been confirmed by published functional studies and their clinical significance is uncertain. In summary, the available evidence is currently insufficient to determine the role of this variant in disease. Therefore, it has been classified as a Variant of Uncertain Significance. This sequence change replaces serine with threonine at codon 1066 of the BRIP1 protein (p.Ser1066Thr). The serine residue is weakly conserved and there is a small physicochemical difference between serine and threonine. This variant is not present in population databases (ExAC no frequency).

Literature cited by the submitters: PubMed 33471991 (cited by Sema4).

NM_032043.3(BRIP1):c.3196T>A (p.Ser1066Thr)

Gene: BRIP1 (BRCA1 interacting DNA helicase 1; minus strand). Cytogenetic location: 17q23.2.
Variant type: single nucleotide variant.
Coding change: c.3196T>A on transcript NM_032043.3 (MANE Select); coding-DNA position 3196, T replaced by A.
Protein change: p.Ser1066Thr; replaces serine 1066 with threonine.
Molecular consequence: missense variant.
Genome position (GRCh38, 1-based): chr17:61,683,850, A>T on the plus strand (T>A on the coding strand, the complement: BRIP1 is on the minus strand). VCF-style: chr17-61683850-A-T. GRCh37 (hg19) VCF-style: chr17-59761211-A-T.
Other names: short protein forms S1066T.
Identifiers: ClinVar variation 925380 (VCV000925380.17), dbSNP rs1199327421, ClinGen allele CA400479360.
Genomic context (GRCh38, chr17:61,683,850, plus strand): 5'-TTCTAGTAAGGGTGGCATCAATCTTTAATGATGAAATAATGGTTTCTGATTGAGGGCATG[A>T]TCCAAACGATGTGTTTACTGTCAGATTTGAGGATTCACATTTATCAGTGAAGGGCAAAAC-3'
Protein context (NP_114432.2, residues 1056-1076): SNLTVNTSFG[Ser1066Thr]CPQSETIISS